The following is an entry in ClinVar:

ClinVar aggregate classification (germline): Benign/Likely benign. Review status: criteria provided, multiple submitters, no conflicts (2 of 4 stars). 5 submissions from 5 submitters: Benign (2); Likely benign (3). Last evaluated 2026-09-01.

Conditions:
Intellectual developmental disorder, autosomal recessive 47. Also called: Intellectual disability, autosomal recessive 47. Identifiers: Orphanet 88616, MedGen C4015444, MONDO:0014524, OMIM 616193.

Allele frequency attached by ClinVar (database versions not stated): gnomAD exomes 0.00323 and 0.00412; ExAC 0.00362; TOPMed 0.00306; gnomAD 0.00321 and 0.00330; 1000 Genomes Project 30x 0.00219; 1000 Genomes Project 0.00240; ESP Exome Variant Server 0.00308.
gnomAD v4.1: 6,455 of 1,600,494 alleles (0.4%); highest among the groups gnomAD compares: Non-Finnish European, 0.48%; 27 homozygotes.

Submissions (5):

CeGaT Center for Human Genetics Tuebingen
Classification: Likely benign. Last evaluated: 2026-09-01. Review status: criteria provided, single submitter. Criteria: CeGaT Center For Human Genetics Tuebingen Variant Classification Criteria Version 2. Collection method: clinical testing. Allele origin: germline. Affected: yes. Observed: 35 variant alleles.
Comment: FMN2: BP4, BP7, BS2

Blueprint Genetics
Classification: Likely benign. Last evaluated: 2024-11-21. Review status: criteria provided, single submitter. Criteria: ACMG Guidelines, 2015. Collection method: clinical testing. Allele origin: germline.

Fulgent Genetics
Classification: Likely benign for Intellectual developmental disorder, autosomal recessive 47. Last evaluated: 2022-03-02. Review status: criteria provided, single submitter. Criteria: ACMG Guidelines, 2015. Collection method: clinical testing. Allele origin: unknown.

Labcorp Genetics (formerly Invitae), Labcorp
Classification: Benign. Last evaluated: 2019-12-31. Review status: criteria provided, single submitter. Criteria: Invitae Variant Classification Sherloc (09022015). Collection method: clinical testing. Allele origin: germline.

Genetic Services Laboratory, University of Chicago
Classification: Benign. Last evaluated: 2016-09-30. Review status: criteria provided, single submitter. Criteria: ACMG Guidelines, 2015. Collection method: clinical testing. Allele origin: germline. Affected: no.

NM_020066.5(FMN2):c.5136T>G (p.Ser1712=)

Gene: FMN2 (formin 2; plus strand). Cytogenetic location: 1q43.
Variant type: single nucleotide variant.
Coding change: c.5136T>G on transcript NM_020066.5 (MANE Select); coding-DNA position 5136, T replaced by G.
Protein change: p.Ser1712=; no amino-acid change (serine 1712 retained).
Molecular consequence: synonymous variant.
Genome position (GRCh38, 1-based): chr1:240,472,447, T>G. VCF-style: chr1-240472447-T-G. GRCh37 (hg19) VCF-style: chr1-240635747-T-G.
Other names: c.5148T>G, p.Ser1716= (NM_001305424.2); c.2964T>G, p.Ser988= (NM_001348094.2).
Identifiers: ClinVar variation 435232 (VCV000435232.53), dbSNP rs143796494, ClinGen allele CA1477727.
Genomic context (GRCh38, chr1:240,472,447, plus strand): 5'-AGAGGTGTGTAGACAGAAGAAAGGAAAATCACTTTATAAAATAAAACCAAGACATGACTC[T>G]GGAATTGTAAGTATTACTGATTTTTAACTTGTTATTTTCTTTGGCTTTTAAATCCTATTT-3'
Protein context (NP_064450.3, residues 1702-1722): SLYKIKPRHD[Ser1712=]GIKAKISMKT